The following is an entry in ClinVar:

ClinVar aggregate classification (germline): Uncertain significance (1 of 4 stars; one submission).

Conditions:
Cardiovascular phenotype. Identifiers: MedGen CN230736.

Submission:

Ambry Genetics
Classification: Uncertain significance for Cardiovascular phenotype. Last evaluated: 2025-11-24. Review status: criteria provided, single submitter. Criteria: Ambry Variant Classification Scheme 2023. Collection method: clinical testing. Allele origin: germline.
Comment: The c.5299_5300delGAinsTT variant, located in coding exon 14 of the TNXB gene, results from an in-frame deletion of GA and insertion of TT at nucleotide positions 5299 to 5300. This results in the substitution of the aspartic acid residue for a phenylalanine residue at codon 1767, an amino acid with highly dissimilar properties. This amino acid position is poorly conserved in available vertebrate species. In addition, the in silico prediction for this variant is inconclusive (Choi Y et al. PLoS ONE. 2012; 7(10):e46688). Based on the available evidence, the clinical significance of this variant remains unclear.

NM_001365276.2(TNXB):c.5299_5300delinsTT (p.Asp1767Phe)

Gene: TNXB (tenascin XB; minus strand). Cytogenetic location: 6p21.33.
Variant type: Indel.
Coding change: c.5299_5300delinsTT on transcript NM_001365276.2 (MANE Select); coding-DNA positions 5299 to 5300, GA replaced by TT.
Protein change: p.Asp1767Phe; replaces aspartic acid 1767 with phenylalanine.
Molecular consequence: missense variant.
Genome position (GRCh38, 1-based): chr6:32,069,840-32,069,841, TC replaced by AA on the plus strand (GA replaced by TT on the coding strand, the reverse complement: TNXB is on the minus strand). VCF-style: chr6-32069840-TC-AA. GRCh37 (hg19) VCF-style: chr6-32037617-TC-AA.
Other names: c.6040_6041delinsTT, p.Asp2014Phe (NM_001428335.1); c.5299_5300delinsTT, p.Asp1767Phe (NM_019105.8); short protein forms D1767F, D2014F.
Identifiers: ClinVar variation 4615182 (VCV004615182.1).
Genomic context (GRCh38, chr6:32,069,840, plus strand): 5'-ACGGTGGTCACCTGCAGCTCCTCCCCCAGACGGGGTTTTGGGGGACGCTTTGTTCCAGTA[TC>AA]ATCCATAGCACTCCGGGCTTCTGAGATGGAGACACGGAGAGGAAACGGCTGAGCTGTTTC-3'
Protein context (NP_001352205.1, residues 1757-1777): GTTEARSAMD[Asp1767Phe]TGTKRPPKPR